The following is an entry in ClinVar:

ClinVar aggregate classification (germline): Pathogenic. Review status: criteria provided, single submitter (1 of 4 stars). 3 submissions from 3 submitters: Pathogenic (1). 2 of the submissions do not count toward it. Last evaluated 2019-10-30.

Conditions:
Oculofaciocardiodental syndrome (MCOPS2). Identifiers: Orphanet 2712, MedGen C1846265, MONDO:0010261, OMIM 300166.

Allele frequency attached by ClinVar (database versions not stated): gnomAD 0.00001; TOPMed below 0.00001.
gnomAD v4.1: 1 of 1,205,935 alleles (0.000083%); highest among the groups gnomAD compares: African/African-American, 0.0018%; no homozygotes.

Submissions (3):

GeneDx
Classification: Pathogenic. Last evaluated: 2019-10-30. Review status: criteria provided, single submitter. Criteria: GeneDx Variant Classification Process June 2021. Collection method: clinical testing. Allele origin: germline. Affected: yes.
Comment: Not observed in large population cohorts (Lek et al., 2016); In silico analysis, which includes protein predictors and evolutionary conservation, supports a deleterious effect; This variant is associated with the following publications: (PMID: 31618753, 20301694, 29974297, 30450806, 12116202, 23815237, 19367324, 26863999, 15004558)

OMIM
Classification: Pathogenic for MICROPHTHALMIA, SYNDROMIC 2. Last evaluated: 2013-11-01. Review status: no assertion criteria provided. Collection method: literature only. Allele origin: germline. Not counted in ClinVar's aggregate classification.

GeneReviews
No classification provided. Condition: Oculofaciocardiodental syndrome. Review status: no classification provided. Collection method: literature only. Allele origin: germline. Affected: yes. Not counted in ClinVar's aggregate classification.

Literature cited by the submitters: PubMed 15004558 (cited by OMIM and GeneReviews); PubMed 19367324 (cited by OMIM and GeneReviews); PubMed 23815237 (cited by OMIM); NCBI Bookshelf NBK1521 (cited by GeneReviews).

NM_001123385.2(BCOR):c.254C>T (p.Pro85Leu)

Gene: BCOR (BCL6 corepressor; minus strand). Cytogenetic location: Xp11.4.
Variant type: single nucleotide variant.
Coding change: c.254C>T on transcript NM_001123385.2 (MANE Select); coding-DNA position 254, C replaced by T.
Protein change: p.Pro85Leu; replaces proline 85 with leucine.
Molecular consequence: missense variant.
Genome position (GRCh38, 1-based): chrX:40,075,092, G>A on the plus strand (C>T on the coding strand, the complement: BCOR is on the minus strand). VCF-style: chrX-40075092-G-A. GRCh37 (hg19) VCF-style: chrX-39934345-G-A.
Other names: c.254C>T, p.Pro85Leu (NM_001123383.2, NM_001123384.2, NM_017745.6); short protein forms P85L.
Identifiers: ClinVar variation 10911 (VCV000010911.5), dbSNP rs121434618, ClinGen allele CA340996.